The following is an entry in ClinVar:

NM_005120.3(MED12):c.5002T>A (p.Phe1668Ile)

Gene: MED12 (mediator complex subunit 12; plus strand). Cytogenetic location: Xq13.1.
Variant type: single nucleotide variant.
Coding change: c.5002T>A on transcript NM_005120.3 (MANE Select); coding-DNA position 5002, T replaced by A.
Protein change: p.Phe1668Ile; replaces phenylalanine 1668 with isoleucine.
Molecular consequence: missense variant.
Genome position (GRCh38, 1-based): chrX:71,135,230, T>A. VCF-style: chrX-71135230-T-A. GRCh37 (hg19) VCF-style: chrX-70355080-T-A.
Other names: short protein forms F1668I.
Identifiers: ClinVar variation 4819054 (VCV004819054.1).

ClinVar aggregate classification (germline): Uncertain significance (1 of 4 stars; one submission).

Conditions:
MED12-related intellectual disability syndrome. Identifiers: MedGen CN305246, MONDO:0100000.

Submission:

Victorian Clinical Genetics Services, Murdoch Childrens Research Institute
Classification: Uncertain significance for MED12-related intellectual disability syndrome. Last evaluated: 2026-01-19. Review status: criteria provided, single submitter. Criteria: ACMG Guidelines, 2015. Collection method: clinical testing. Allele origin: germline. Affected: yes.
Comment: This variant is classified as VUS-3A. Evidence in support of pathogenic classification: Variant is absent from gnomAD (v2, v3 and v4); Missense variant in a region that is highly intolerant to missense variation (high constraint region in DECIPHER). Additional information: Variant is predicted to result in a missense amino acid change from Phe to Ile; This variant is hemizygous; This gene is associated with X-linked disease; This variant has no previous evidence of pathogenicity; No published evidence of segregation with disease has been identified for this variant; No published functional evidence has been identified for this variant; No comparable missense variants have previous evidence for pathogenicity; Missense variant with inconclusive in silico prediction and/or uninformative conservation; Loss of function is a known mechanism of disease in this gene and is associated with MED12-related intellectual disability syndrome (MONDO:0100000), and Hardikar syndrome (MIM#301068).